The following is an entry in ClinVar:

NM_000478.6(ALPL):c.394G>A (p.Ala132Thr)

Gene: ALPL (alkaline phosphatase, biomineralization associated; plus strand). Cytogenetic location: 1p36.12.
Variant type: single nucleotide variant.
Coding change: c.394G>A on transcript NM_000478.6 (MANE Select); coding-DNA position 394, G replaced by A.
Protein change: p.Ala132Thr; replaces alanine 132 with threonine.
Molecular consequence: missense variant.
Genome position (GRCh38, 1-based): chr1:21,563,206, G>A. VCF-style: chr1-21563206-G-A. GRCh37 (hg19) VCF-style: chr1-21889699-G-A.
Other names: p.Ala132Thr; c.229G>A, p.Ala77Thr (NM_001127501.4); c.163G>A, p.Ala55Thr (NM_001177520.3); c.394G>A, p.Ala132Thr (NM_001369803.2, NM_001369804.2, NM_001369805.2); c.394G>A (NM_000478.5); short protein forms A77T, A132T, A55T.
Identifiers: ClinVar variation 1489679 (VCV001489679.14), dbSNP rs757771793, ClinGen allele CA666473.

ClinVar aggregate classification (germline): Likely pathogenic. Review status: criteria provided, multiple submitters, no conflicts (2 of 4 stars). 6 submissions from 6 submitters: Likely pathogenic (6). Last evaluated 2025-11-18.

Conditions:
Infantile hypophosphatasia. Identifiers: Orphanet 247651, Orphanet 436, MedGen C0268412, MONDO:1010169, OMIM 241500, MONDO:0009427.
Adult hypophosphatasia. Identifiers: Orphanet 247676, Orphanet 436, MedGen C0268413, MONDO:1010154, OMIM 146300, MONDO:0007798.
Childhood hypophosphatasia. Identifiers: Orphanet 247667, Orphanet 436, MedGen C0220743, MONDO:1010168, OMIM 241510, MONDO:0009428.
Hypophosphatasia. Also called: Phosphoethanol-aminuria. Identifiers: Orphanet 436, MedGen C0020630, MeSH D007014, MONDO:0018570.

Allele frequency attached by ClinVar (database versions not stated): gnomAD exomes below 0.00001; TOPMed 0.00001; ExAC 0.00002.
gnomAD v4.1: 5 of 1,613,962 alleles (0.00031%); highest among the groups gnomAD compares: South Asian, 0.0011%; no homozygotes.

Submissions (6):

Labcorp Genetics (formerly Invitae), Labcorp
Classification: Likely pathogenic. Last evaluated: 2025-11-18. Review status: criteria provided, single submitter. Criteria: Invitae Variant Classification Sherloc (09022015). Collection method: clinical testing. Allele origin: germline.
Comment: This sequence change replaces alanine, which is neutral and non-polar, with threonine, which is neutral and polar, at codon 132 of the ALPL protein (p.Ala132Thr). This variant is present in population databases (rs757771793, gnomAD 0.0009%). This missense change has been observed in individual(s) with hypophosphatasia (PMID: 32160374). ClinVar contains an entry for this variant (Variation ID: 1489679). Invitae Evidence Modeling of protein sequence and biophysical properties (such as structural, functional, and spatial information, amino acid conservation, physicochemical variation, residue mobility, and thermodynamic stability) indicates that this missense variant is expected to disrupt ALPL protein function with a positive predictive value of 95%. This variant disrupts the p.Ala132 amino acid residue in ALPL. Other variant(s) that disrupt this residue have been determined to be pathogenic (PMID: 11834095, 18455459, 19500388). This suggests that this residue is clinically significant, and that variants that disrupt this residue are likely to be disease-causing. In summary, the currently available evidence indicates that the variant is pathogenic, but additional data are needed to prove that conclusively. Therefore, this variant has been classified as Likely Pathogenic.

Genomenon, Inc
Classification: Likely pathogenic for Hypophosphatasia. Last evaluated: 2025-08-29. Review status: criteria provided, single submitter. Criteria: Genomenon Sequence Variant Interpretation Standards. Collection method: curation. Allele origin: germline. Affected: yes.
Comment: ALPL c.394G>A is a missense variant that changes the amino acid at residue 132 from Alanine to Threonine. This variant has been observed in at least one proband affected with hypophosphatasia (PMID:33191482;39506814;32973344). It is absent or not present at a significant frequency in gnomAD. In silico models agree that this variant is possibly or probably damaging. In conclusion, we classify ALPL p.Ala132Thr (c.394G>A) as a likely pathogenic variant.

Natera, Inc.
Classification: Likely pathogenic for Hypophosphatasia. Last evaluated: 2025-02-04. Review status: criteria provided, single submitter. Criteria: Natera Variant Classification Schema (03/2026). Collection method: clinical testing. Allele origin: germline.
Comment: The c.394G>A variant in ALPL is a missense variant predicted to cause substitution of alanine to threonine at amino acid 132. This variant is rare in the general population with a frequency below the threshold expected for the associated phenotype(s). This variant has been observed in one or more individuals affected with the associated recessive disease, as either homozygous or compound heterozygous with a second variant (PMID: 32160374, 32973344). A different variant at the same position has been determined to be Pathogenic or Likely Pathogenic. Computational prediction algorithms indicate this variant is likely to affect gene or protein function. Given the available evidence, this variant is classified as Likely Pathogenic.

Fulgent Genetics
Classification: Likely pathogenic for Adult hypophosphatasia; Infantile hypophosphatasia; Childhood hypophosphatasia. Last evaluated: 2024-05-25. Review status: criteria provided, single submitter. Criteria: ACMG Guidelines, 2015. Collection method: clinical testing. Allele origin: germline.

Baylor Genetics
Classification: Likely pathogenic for Adult hypophosphatasia. Last evaluated: 2024-03-05. Review status: criteria provided, single submitter. Criteria: ACMG Guidelines, 2015. Collection method: clinical testing. Allele origin: unknown.

Molecular Diagnostics Laboratory, M Health Fairview: University of Minnesota
Classification: Likely pathogenic for Hypophosphatasia. Last evaluated: 2022-02-18. Review status: criteria provided, single submitter. Criteria: ACMG Guidelines, 2015. Collection method: clinical testing. Allele origin: germline. Affected: yes.

Literature cited by the submitters: PubMed 32160374 (cited by Labcorp Genetics (formerly Invitae), Labcorp and Natera, Inc.); PubMed 11834095 (cited by Labcorp Genetics (formerly Invitae), Labcorp); PubMed 18455459 (cited by Labcorp Genetics (formerly Invitae), Labcorp); PubMed 19500388 (cited by Labcorp Genetics (formerly Invitae), Labcorp); PubMed 33191482 (cited by Genomenon, Inc); PubMed 39506814 (cited by Genomenon, Inc); PubMed 32973344 (cited by Genomenon, Inc and Natera, Inc.).